The following is an entry in ClinVar:

NM_004985.5(KRAS):c.13A>C (p.Lys5Gln)

Gene: KRAS (KRAS proto-oncogene, GTPase; minus strand). Cytogenetic location: 12p12.1.
Variant type: single nucleotide variant.
Coding change: c.13A>C on transcript NM_004985.5 (MANE Select); coding-DNA position 13, A replaced by C.
Protein change: p.Lys5Gln; replaces lysine 5 with glutamine.
Molecular consequence: missense variant.
Genome position (GRCh38, 1-based): chr12:25,245,372, T>G on the plus strand (A>C on the coding strand, the complement: KRAS is on the minus strand). VCF-style: chr12-25245372-T-G. GRCh37 (hg19) VCF-style: chr12-25398306-T-G.
Other names: c.13A>C, p.Lys5Gln (NM_001369786.1, NM_001369787.1, NM_033360.4); short protein forms K5Q.
Identifiers: ClinVar variation 2010214 (VCV002010214.4), dbSNP rs193929331, ClinGen allele CA384157537.

ClinVar aggregate classification (germline): Likely pathogenic (1 of 4 stars; one submission).

Conditions:
RASopathy. Also called: rasopathies; Noonan spectrum disorder. Identifiers: Orphanet 536391, MedGen C5555857, MONDO:0021060.

Submission:

Labcorp Genetics (formerly Invitae), Labcorp
Classification: Likely pathogenic for RASopathy. Last evaluated: 2022-06-24. Review status: criteria provided, single submitter. Criteria: Invitae Variant Classification Sherloc (09022015). Collection method: clinical testing. Allele origin: germline.
Comment: This missense change has been observed in individual(s) with Noonan syndrome (Invitae). This variant is not present in population databases (gnomAD no frequency). This sequence change replaces lysine, which is basic and polar, with glutamine, which is neutral and polar, at codon 5 of the KRAS protein (p.Lys5Gln). Advanced modeling of protein sequence and biophysical properties (such as structural, functional, and spatial information, amino acid conservation, physicochemical variation, residue mobility, and thermodynamic stability) performed at Invitae indicates that this missense variant is expected to disrupt KRAS protein function. In summary, the currently available evidence indicates that the variant is pathogenic, but additional data are needed to prove that conclusively. Therefore, this variant has been classified as Likely Pathogenic. This variant disrupts the p.Lys5 amino acid residue in KRAS. Other variant(s) that disrupt this residue have been determined to be pathogenic (PMID: 17056636, 20949621; Invitae). This suggests that this residue is clinically significant, and that variants that disrupt this residue are likely to be disease-causing.

Literature cited by the submitters: PubMed 17056636; PubMed 20949621.